The following is an entry in ClinVar:

ClinVar aggregate classification (germline): Benign (1 of 4 stars; one submission).

Conditions:
BSG-related disorder. Also called: BSG-related condition.

gnomAD v4.1: 434 of 1,610,916 alleles (0.027%); highest among the groups gnomAD compares: East Asian, 0.52%; 9 homozygotes.

Submission:

PreventionGenetics, part of Exact Sciences
Classification: Benign for BSG-related condition. Last evaluated: 2026-06-22. Review status: criteria provided, single submitter. Criteria: ACMG Guidelines, 2015. Collection method: clinical testing. Allele origin: germline.
Comment: This variant is classified as benign based on ACMG/AMP sequence variant interpretation guidelines (Richards et al. 2015 PMID: 25741868, with internal and published modifications).

NM_001728.4(BSG):c.583G>C (p.Asp195His)

Gene: BSG (basigin (Ok blood group); plus strand). Cytogenetic location: 19p13.3.
Variant type: single nucleotide variant.
Coding change: c.583G>C on transcript NM_001728.4 (MANE Select); coding-DNA position 583, G replaced by C.
Protein change: p.Asp195His; replaces aspartic acid 195 with histidine.
Molecular consequence: missense variant. On other transcripts: 5 prime UTR variant (2).
Genome position (GRCh38, 1-based): chr19:580,389, G>C. VCF-style: chr19-580389-G-C. GRCh37 (hg19) VCF-style: chr19-580389-G-C.
Other names: c.235G>C, p.Asp79His (NM_001322243.2, NM_198589.3); c.-45G>C (NM_198590.3, NM_198591.4); short protein forms D79H, D195H.
Identifiers: ClinVar variation 4981156 (VCV004981156.1).